The following is an entry in ClinVar:

ClinVar aggregate classification (germline): Uncertain significance. Review status: criteria provided, multiple submitters, no conflicts (2 of 4 stars). 2 submissions from 2 submitters: Uncertain significance (2). Last evaluated 2024-05-16.

Conditions:
Autosomal recessive hypophosphatemic bone disease (HHRH). Also called: HYPERCALCIURIC RICKETS; Hypophosphatemic rickets with hypercalciuria. Identifiers: Orphanet 157215, MedGen C1853271, MONDO:0009431, OMIM 241530.

Allele frequency attached by ClinVar (database versions not stated): TOPMed 0.00006.
gnomAD v4.1: 34 of 1,602,778 alleles (0.0021%); highest among the groups gnomAD compares: Non-Finnish European, 0.0029%; no homozygotes.

Submissions (2):

Fulgent Genetics
Classification: Uncertain significance for Autosomal recessive hypophosphatemic bone disease. Last evaluated: 2024-05-16. Review status: criteria provided, single submitter. Criteria: ACMG Guidelines, 2015. Collection method: clinical testing. Allele origin: germline.

Labcorp Genetics (formerly Invitae), Labcorp
Classification: Uncertain significance. Last evaluated: 2023-05-08. Review status: criteria provided, single submitter. Criteria: Invitae Variant Classification Sherloc (09022015). Collection method: clinical testing. Allele origin: germline.
Comment: In summary, the available evidence is currently insufficient to determine the role of this variant in disease. Therefore, it has been classified as a Variant of Uncertain Significance. Advanced modeling of protein sequence and biophysical properties (such as structural, functional, and spatial information, amino acid conservation, physicochemical variation, residue mobility, and thermodynamic stability) performed at Invitae indicates that this missense variant is not expected to disrupt SLC34A3 protein function. ClinVar contains an entry for this variant (Variation ID: 1014996). This variant has not been reported in the literature in individuals affected with SLC34A3-related conditions. This variant is present in population databases (rs776182012, gnomAD 0.005%). This sequence change replaces valine, which is neutral and non-polar, with leucine, which is neutral and non-polar, at codon 251 of the SLC34A3 protein (p.Val251Leu).

NM_001177316.2(SLC34A3):c.751G>C (p.Val251Leu)

Gene: SLC34A3 (solute carrier family 34 member 3; plus strand). Cytogenetic location: 9q34.3.
Variant type: single nucleotide variant.
Coding change: c.751G>C on transcript NM_001177316.2 (MANE Select); coding-DNA position 751, G replaced by C.
Protein change: p.Val251Leu; replaces valine 251 with leucine.
Molecular consequence: missense variant.
Genome position (GRCh38, 1-based): chr9:137,233,399, G>C. VCF-style: chr9-137233399-G-C. GRCh37 (hg19) VCF-style: chr9-140127851-G-C.
Other names: c.751G>C, p.Val251Leu (NM_001177317.2, NM_080877.3); short protein forms V251L.
Identifiers: ClinVar variation 1014996 (VCV001014996.9), dbSNP rs776182012, ClinGen allele CA5364544.